The following is an entry in ClinVar:

NM_000391.4(TPP1):c.1020_1021del (p.Asn341fs)

Gene: TPP1 (tripeptidyl peptidase 1; minus strand). Cytogenetic location: 11p15.4.
Variant type: Deletion.
Coding change: c.1020_1021del on transcript NM_000391.4 (MANE Select); coding-DNA positions 1020 to 1021, 2 bases deleted (CA; older notation c.1020_1021delCA).
Protein change: p.Asn341fs; shifts the reading frame from asparagine 341.
Molecular consequence: frameshift variant.
Genome position (GRCh38, 1-based): chr11:6,616,369-6,616,370, TG deleted on the plus strand (CA on the coding strand, the reverse complement: TPP1 is on the minus strand). VCF-style (leftmost placement, unchanged base first): chr11-6616368-TTG-T. GRCh37 (hg19) VCF-style: chr11-6637599-TTG-T.
Other names: short protein forms N341fs.
Identifiers: ClinVar variation 1724958 (VCV001724958.2), dbSNP rs2493798186, ClinGen allele CA2580084008.

ClinVar aggregate classification (germline): Likely pathogenic (1 of 4 stars; one submission).

Conditions:
Neuronal ceroid lipofuscinosis 2. Also called: TPP1-Related Neuronal Ceroid-Lipofuscinosis; JANSKY-BIELSCHOWSKY DISEASE NEURONAL CEROID LIPOFUSCINOSIS, LATE INFANTILE. Identifiers: Orphanet 168491, Orphanet 228349, Orphanet 79264, MedGen C1876161, MONDO:0008769, OMIM 204500.

Submission:

Myriad Genetics, Inc.
Classification: Likely pathogenic for Neuronal ceroid lipofuscinosis 2. Last evaluated: 2022-03-03. Review status: criteria provided, single submitter. Criteria: Myriad Women's Health Autosomal Recessive and X-Linked Classification Criteria (2021). Collection method: clinical testing. Allele origin: unknown.
Comment: NM_000391.3(TPP1):c.1020_1021delCA(N341Hfs*2) is expected to be pathogenic in the context of TPP1-related neuronal ceroid lipofuscinosis. This variant is predicted to lead to an abnormal or absent protein product due to the creation of a premature termination codon in TPP1, a gene where loss-of-function variants are known to be pathogenic. Please note: this variant was assessed in the context of healthy population screening.